The following is an entry in ClinVar:

ClinVar aggregate classification (germline): Uncertain significance. Review status: criteria provided, multiple submitters, no conflicts (2 of 4 stars). 2 submissions from 2 submitters: Uncertain significance (2). Last evaluated 2025-03-15.

Conditions:
Autoimmune lymphoproliferative syndrome type 2B. Also called: AUTOIMMUNE LYMPHOPROLIFERATIVE SYNDROME, TYPE IIB. Identifiers: Orphanet 275517, MedGen C1846545, MONDO:0011804, OMIM 607271.
Inborn genetic diseases. Identifiers: MedGen C0950123, MeSH D030342.

Allele frequency attached by ClinVar (database versions not stated): gnomAD 0.00001; ExAC 0.00003; gnomAD exomes 0.00003.
gnomAD v4.1: 17 of 1,614,246 alleles (0.0011%); highest among the groups gnomAD compares: Middle Eastern, 0.033%; no homozygotes.

Submissions (2):

Ambry Genetics
Classification: Uncertain significance for Inborn genetic diseases. Last evaluated: 2025-03-15. Review status: criteria provided, single submitter. Criteria: Ambry Variant Classification Scheme 2023. Collection method: clinical testing. Allele origin: germline.

Labcorp Genetics (formerly Invitae), Labcorp
Classification: Uncertain significance for Autoimmune lymphoproliferative syndrome type 2B. Last evaluated: 2022-07-14. Review status: criteria provided, single submitter. Criteria: Invitae Variant Classification Sherloc (09022015). Collection method: clinical testing. Allele origin: germline.
Comment: This sequence change replaces isoleucine, which is neutral and non-polar, with valine, which is neutral and non-polar, at codon 38 of the CASP8 protein (p.Ile38Val). This variant is present in population databases (rs771007977, gnomAD 0.006%). This variant has not been reported in the literature in individuals affected with CASP8-related conditions. Algorithms developed to predict the effect of missense changes on protein structure and function are either unavailable or do not agree on the potential impact of this missense change (SIFT: "Tolerated"; PolyPhen-2: "Possibly Damaging"; Align-GVGD: "Class C0"). In summary, the available evidence is currently insufficient to determine the role of this variant in disease. Therefore, it has been classified as a Variant of Uncertain Significance.

NM_001372051.1(CASP8):c.112A>G (p.Ile38Val)

Gene: CASP8 (caspase 8; plus strand). Cytogenetic location: 2q33.1.
Variant type: single nucleotide variant.
Coding change: c.112A>G on transcript NM_001372051.1 (MANE Select); coding-DNA position 112, A replaced by G.
Protein change: p.Ile38Val; replaces isoleucine 38 with valine.
Molecular consequence: missense variant. On other transcripts: 5 prime UTR variant (9), non-coding transcript variant (22), intron variant (3).
Genome position (GRCh38, 1-based): chr2:201,266,598, A>G. VCF-style: chr2-201266598-A-G. GRCh37 (hg19) VCF-style: chr2-202131321-A-G.
Other names: c.112A>G, p.Ile38Val (NM_001228.5, NM_001080124.2, NM_001400645.1 and 21 more transcripts); c.289A>G, p.Ile97Val (NM_001080125.2, NM_001400642.1, NM_001400665.1); c.-421A>G (NM_001400671.1, NM_001400673.1, NM_001400676.1 and 4 more transcripts); c.-602A>G (NM_001400674.1); c.-500A>G (NM_001400680.1); c.-4-4918A>G (NM_001400669.1); c.-227-4918A>G (NM_001400672.1, NM_001400675.1); short protein forms I97V, I38V.
Identifiers: ClinVar variation 2198922 (VCV002198922.2), dbSNP rs771007977, ClinGen allele CA2053447.